The following is an entry in ClinVar:

ClinVar aggregate classification (germline): Uncertain significance (1 of 4 stars; one submission).

gnomAD v4.1: 1 of 1,595,910 alleles (0.000063%); highest among the groups gnomAD compares: South Asian, 0.0011%; no homozygotes.

Submission:

Ambry Genetics
Classification: Uncertain significance. Last evaluated: 2024-10-06. Review status: criteria provided, single submitter. Criteria: Ambry Variant Classification Scheme 2023. Collection method: clinical testing. Allele origin: germline.
Comment: The p.L972F variant (also known as c.2914C>T), located in coding exon 25 of the PRKDC gene, results from a C to T substitution at nucleotide position 2914. The leucine at codon 972 is replaced by phenylalanine, an amino acid with highly similar properties. This amino acid position is conserved. In addition, the in silico prediction for this alteration is inconclusive. Based on the available evidence, the clinical significance of this variant remains unclear.

NM_006904.7(PRKDC):c.2914C>T (p.Leu972Phe)

Gene: PRKDC (protein kinase, DNA-activated, catalytic subunit; minus strand). Cytogenetic location: 8q11.21.
Variant type: single nucleotide variant.
Coding change: c.2914C>T on transcript NM_006904.7 (MANE Select); coding-DNA position 2914, C replaced by T.
Protein change: p.Leu972Phe; replaces leucine 972 with phenylalanine.
Molecular consequence: missense variant.
Genome position (GRCh38, 1-based): chr8:47,912,430, G>A on the plus strand (C>T on the coding strand, the complement: PRKDC is on the minus strand). VCF-style: chr8-47912430-G-A. GRCh37 (hg19) VCF-style: chr8-48824990-G-A.
Other names: c.2914C>T, p.Leu972Phe (NM_001081640.2); short protein forms L972F.
Identifiers: ClinVar variation 3425348 (VCV003425348.1).